The following is an entry in ClinVar:

NM_000179.3(MSH6):c.612G>A (p.Glu204=)

Gene: MSH6 (mutS homolog 6; plus strand). Cytogenetic location: 2p16.3.
Variant type: single nucleotide variant.
Coding change: c.612G>A on transcript NM_000179.3 (MANE Select); coding-DNA position 612, G replaced by A.
Protein change: p.Glu204=; no amino-acid change (glutamic acid 204 retained).
Molecular consequence: synonymous variant. On other transcripts: 5 prime UTR variant (1), intron variant (2).
Genome position (GRCh38, 1-based): chr2:47,796,048, G>A. VCF-style: chr2-47796048-G-A. GRCh37 (hg19) VCF-style: chr2-48023187-G-A.
Other names: c.-291G>A (NM_001281494.2); c.-279-2563G>A (NM_001281493.2); c.238-2563G>A (NM_001281492.2); c.612G>A (NM_000179.2).
Identifiers: ClinVar variation 1124722 (VCV001124722.11), dbSNP rs2104240173, ClinGen allele CA425993217.

ClinVar aggregate classification (germline): Benign/Likely benign. Review status: criteria provided, multiple submitters, no conflicts (2 of 4 stars). 3 submissions from 3 submitters: Benign (1); Likely benign (2). Last evaluated 2025-08-04.

Conditions:
Lynch syndrome 5 (LYNCH5). Also called: Colorectal cancer, hereditary nonpolyposis, type 5; Hereditary non-polyposis colorectal cancer, type 5. Identifiers: Orphanet 144, MedGen C1833477, MONDO:0013710, OMIM 614350. Disease mechanism: loss of function.
Hereditary nonpolyposis colorectal neoplasms. Identifiers: MedGen C0009405, MeSH D003123.
Hereditary cancer-predisposing syndrome. Also called: Hereditary neoplastic syndrome; Neoplastic Syndromes, Hereditary; Tumor predisposition; Hereditary Cancer Syndrome. Identifiers: Orphanet 140162, MedGen C0027672, MeSH D009386, MONDO:0015356.

Submissions (3):

Ambry Genetics
Classification: Likely benign for Hereditary cancer-predisposing syndrome. Last evaluated: 2025-08-04. Review status: criteria provided, single submitter. Criteria: Ambry Variant Classification Scheme 2023. Collection method: clinical testing. Allele origin: germline.

Myriad Genetics, Inc.
Classification: Benign for Lynch syndrome 5. Last evaluated: 2024-12-19. Review status: criteria provided, single submitter. Criteria: Myriad Autosomal Dominant, Autosomal Recessive and X-Linked Classification Criteria (2023). Collection method: clinical testing. Allele origin: unknown.
Comment: This variant is considered benign. This variant is a silent/synonymous amino acid change and it is not expected to impact splicing.

Labcorp Genetics (formerly Invitae), Labcorp
Classification: Likely benign for Hereditary nonpolyposis colorectal neoplasms. Last evaluated: 2022-07-11. Review status: criteria provided, single submitter. Criteria: Invitae Variant Classification Sherloc (09022015). Collection method: clinical testing. Allele origin: germline.